The following is an entry in ClinVar:

ClinVar aggregate classification (germline): Uncertain significance (1 of 4 stars; one submission).

Allele frequency attached by ClinVar (database versions not stated): gnomAD exomes below 0.00001.
gnomAD v4.1: 1 of 1,612,992 alleles (0.000062%); highest among the groups gnomAD compares: Non-Finnish European, 0.000085%; no homozygotes.

Submission:

Labcorp Genetics (formerly Invitae), Labcorp
Classification: Uncertain significance. Last evaluated: 2022-07-29. Review status: criteria provided, single submitter. Criteria: Invitae Variant Classification Sherloc (09022015). Collection method: clinical testing. Allele origin: germline.
Comment: This sequence change replaces alanine, which is neutral and non-polar, with threonine, which is neutral and polar, at codon 1077 of the SKIV2L protein (p.Ala1077Thr). This variant is not present in population databases (gnomAD no frequency). This variant has not been reported in the literature in individuals affected with SKIV2L-related conditions. Algorithms developed to predict the effect of missense changes on protein structure and function are either unavailable or do not agree on the potential impact of this missense change (SIFT: "Tolerated"; PolyPhen-2: "Possibly Damaging"; Align-GVGD: "Class C0"). In summary, the available evidence is currently insufficient to determine the role of this variant in disease. Therefore, it has been classified as a Variant of Uncertain Significance.

NM_006929.5(SKIC2):c.3229G>A (p.Ala1077Thr)

Gene: SKIC2 (SKI2 subunit of superkiller complex; plus strand). Cytogenetic location: 6p21.33.
Variant type: single nucleotide variant.
Coding change: c.3229G>A on transcript NM_006929.5 (MANE Select); coding-DNA position 3229, G replaced by A.
Protein change: p.Ala1077Thr; replaces alanine 1077 with threonine.
Molecular consequence: missense variant.
Genome position (GRCh38, 1-based): chr6:31,968,919, G>A. VCF-style: chr6-31968919-G-A. GRCh37 (hg19) VCF-style: chr6-31936696-G-A.
Other names: short protein forms A1077T.
Identifiers: ClinVar variation 2020085 (VCV002020085.1), dbSNP rs2483004258, ClinGen allele CA363486964.